The following is an entry in ClinVar:

NM_001042492.3(NF1):c.3763C>T (p.Gln1255Ter)

Gene: NF1 (neurofibromin 1; plus strand). Cytogenetic location: 17q11.2.
Variant type: single nucleotide variant.
Coding change: c.3763C>T on transcript NM_001042492.3 (MANE Select); coding-DNA position 3763, C replaced by T.
Protein change: p.Gln1255Ter; replaces glutamine 1255 with a stop codon.
Molecular consequence: nonsense.
Genome position (GRCh38, 1-based): chr17:31,235,665, C>T. VCF-style: chr17-31235665-C-T. GRCh37 (hg19) VCF-style: chr17-29562683-C-T.
Other names: c.3763C>T, p.Gln1255Ter (NM_000267.4); short protein forms Q1255*.
Identifiers: ClinVar variation 404504 (VCV000404504.9), dbSNP rs1060500308, ClinGen allele CA16615194.

ClinVar aggregate classification (germline): Pathogenic. Review status: criteria provided, multiple submitters, no conflicts (2 of 4 stars). 4 submissions from 4 submitters: Pathogenic (4). Last evaluated 2025-05-05.

Conditions:
Hereditary cancer-predisposing syndrome. Also called: Tumor predisposition; Neoplastic Syndromes, Hereditary; Hereditary Cancer Syndrome; Hereditary neoplastic syndrome. Identifiers: Orphanet 140162, MedGen C0027672, MeSH D009386, MONDO:0015356.
Cardiovascular phenotype. Identifiers: MedGen CN230736.
Neurofibromatosis, type 1 (NF1). Also called: Neurofibromatosis, type I; NEUROFIBROMATOSIS, TYPE I, SOMATIC; Peripheral type neurofibromatosis; VON RECKLINGHAUSEN DISEASE. Identifiers: Orphanet 636, MedGen C0027831, MONDO:0018975, OMIM 162200. Disease mechanism: loss of function.

Submissions (4):

Labcorp Genetics (formerly Invitae), Labcorp
Classification: Pathogenic for Neurofibromatosis, type 1. Last evaluated: 2025-05-05. Review status: criteria provided, single submitter. Criteria: Invitae Variant Classification Sherloc (09022015). Collection method: clinical testing. Allele origin: germline.
Comment: This sequence change creates a premature translational stop signal (p.Gln1255*) in the NF1 gene. It is expected to result in an absent or disrupted protein product. Loss-of-function variants in NF1 are known to be pathogenic (PMID: 10712197, 23913538). This variant is not present in population databases (gnomAD no frequency). This premature translational stop signal has been observed in individual(s) with neurofibromatosis type 1 (PMID: 23913538). ClinVar contains an entry for this variant (Variation ID: 404504). For these reasons, this variant has been classified as Pathogenic.

Genome-Nilou Lab
Classification: Pathogenic for Neurofibromatosis, type 1. Last evaluated: 2022-03-15. Review status: criteria provided, single submitter. Criteria: ACMG Guidelines, 2015. Collection method: clinical testing. Allele origin: germline. Affected: no.

Ambry Genetics
Classification: Pathogenic for Cardiovascular phenotype; Hereditary cancer-predisposing syndrome. Last evaluated: 2021-01-27. Review status: criteria provided, single submitter. Criteria: Ambry Variant Classification Scheme 2023. Collection method: clinical testing. Allele origin: germline.
Comment: The p.Q1255* pathogenic mutation (also known as c.3763C>T), located in coding exon 28 of the NF1 gene, results from a C to T substitution at nucleotide position 3763. This changes the amino acid from a glutamine to a stop codon within coding exon 28. This mutation has been detected in individuals reported to have neurofibromatosis type 1 (Sabbagh A et al. Hum Mutat, 2013 Nov;34:1510-8; Kang E et al. J Hum Genet, 2020 Jan;65:79-89). In addition to the clinical data presented in the literature, this alteration is expected to result in loss of function by premature protein truncation or nonsense-mediated mRNA decay. As such, this alteration is interpreted as a disease-causing mutation.

GeneDx
Classification: Pathogenic. Last evaluated: 2017-04-05. Review status: criteria provided, single submitter. Criteria: GeneDx Variant Classification (06012015). Collection method: clinical testing. Allele origin: germline. Affected: yes.
Comment: This variant is denoted NF1 c.3763C>T at the cDNA level and p.Gln1255Ter (Q1255X) at the protein level. The substitution creates a nonsense variant, which changes a Glutamine to a premature stop codon (CAA>TAA), and is predicted to cause loss of normal protein function through either protein truncation or nonsense-mediated mRNA decay. This variant has been reported in at least one individual with neurofibromatosis (Sabbagh 2013) and is considered pathogenic.

Literature cited by the submitters: PubMed 10712197 (cited by Labcorp Genetics (formerly Invitae), Labcorp); PubMed 23913538 (cited by Labcorp Genetics (formerly Invitae), Labcorp).